The following is an entry in ClinVar:

GRCh37/hg19 18q22.1-23(chr18:64764747-78014123)x1

Genes: ADNP2 (ADNP homeobox 2; plus strand), ATP9B (ATPase phospholipid transporting 9B (putative); plus strand), C18orf63 (chromosome 18 open reading frame 63; plus strand), CBLN2 (cerebellin 2 precursor; minus strand), CCDC102B (coiled-coil domain containing 102B; plus strand) and 32 more. Cytogenetic location: 18q22.1-23.
Variant type: copy number loss.
Change: copy number 1 (one copy instead of two) of chr18:64,764,747-78,014,123 (13.25 Mb, GRCh37 coordinates, 1-based), cytogenetic band 18q22.1-23.
Identifiers: ClinVar variation 564560 (VCV000564560.2).

ClinVar aggregate classification (germline): Pathogenic (1 of 4 stars; one submission).

Submission:

Quest Diagnostics Nichols Institute San Juan Capistrano
Classification: Pathogenic. Last evaluated: 2024-03-15. Review status: criteria provided, single submitter. Criteria: ACMG/ClinGen CNV Guidelines, 2019. Collection method: clinical testing. Allele origin: unknown.
Comment: This terminal deletion involves at least 35 protein-coding genes and is contained within the 18q deletion syndromic region (OMIM 601808; Tassano 2016). Distal 18q deletions, both similar to and fully contained within the current interval, have been associated with various phenotypes (Cody 2014, Eudy 2010, Feenstra 2007, Kim 2015, Sun 2022, Tassano 2016, Tayebi 2022). There are no similar copy number losses of this region in the general populations of the Database of Genomic Variants. Thus, this CNV is classified as pathogenic. References: Cody et al., Hum Genet. 2014 Feb;133(2):199-209. PMID: 24092497; Eudy et al., Am J Med Genet A. 2010 Apr;152A(4):1046-8. PMID: 20358626; Feenstra et al., Am J Med Genet A. 2007 Aug 15;143A(16):1858-67. PMID: 17632778; Sun et al., Orphanet J Rare Dis. 2022 Jul 27;17(1):292. PMID: 35897075; Tassano et al., Mol Cytogenet. 2016 Oct 10;9:78. PMID: 27766118; Tayebi et al., Eur J Med Genet. 2022 Jun;65(6):104514. PMID: 35487415